The following is an entry in ClinVar:

ClinVar aggregate classification (germline): Uncertain significance. Review status: criteria provided, multiple submitters, no conflicts (2 of 4 stars). 2 submissions from 2 submitters: Uncertain significance (2). Last evaluated 2024-08-27.

Conditions:
Koolen-de Vries syndrome (KDVS). Identifiers: Orphanet 96169, MedGen C1864871, MONDO:0012496, OMIM 610443.
Inborn genetic diseases. Identifiers: MedGen C0950123, MeSH D030342.

gnomAD v4.1: 1 of 1,611,722 alleles (0.000062%); highest among the groups gnomAD compares: Non-Finnish European, 0.000085%; no homozygotes.

Submissions (2):

Ambry Genetics
Classification: Uncertain significance for Inborn genetic diseases. Last evaluated: 2024-08-27. Review status: criteria provided, single submitter. Criteria: Ambry Variant Classification Scheme 2023. Collection method: clinical testing. Allele origin: germline.

Labcorp Genetics (formerly Invitae), Labcorp
Classification: Uncertain significance for Koolen-de Vries syndrome. Last evaluated: 2024-07-30. Review status: criteria provided, single submitter. Criteria: Invitae Variant Classification Sherloc (09022015). Collection method: clinical testing. Allele origin: germline.
Comment: This sequence change replaces proline, which is neutral and non-polar, with alanine, which is neutral and non-polar, at codon 488 of the KANSL1 protein (p.Pro488Ala). This variant is not present in population databases (gnomAD no frequency). This variant has not been reported in the literature in individuals affected with KANSL1-related conditions. Advanced modeling of protein sequence and biophysical properties (such as structural, functional, and spatial information, amino acid conservation, physicochemical variation, residue mobility, and thermodynamic stability) performed at Invitae indicates that this missense variant is not expected to disrupt KANSL1 protein function with a negative predictive value of 80%. In summary, the available evidence is currently insufficient to determine the role of this variant in disease. Therefore, it has been classified as a Variant of Uncertain Significance.

NM_015443.4(KANSL1):c.1462C>G (p.Pro488Ala)

Gene: KANSL1 (KAT8 regulatory NSL complex subunit 1). Cytogenetic location: 17q21.31.
Variant type: single nucleotide variant.
Coding change: c.1462C>G on transcript NM_015443.4 (MANE Select); coding-DNA position 1462, C replaced by G.
Protein change: p.Pro488Ala; replaces proline 488 with alanine.
Molecular consequence: missense variant. On other transcripts: intron variant (4).
Genome position (GRCh38, 1-based): chr17:46,082,512, G>C on the plus strand (C>G on the coding strand, the complement: KANSL1 is on the minus strand). VCF-style: chr17-46082512-G-C. GRCh37 (hg19) VCF-style: chr17-44159878-G-C.
Other names: c.1462C>G, p.Pro488Ala (NM_001193465.2, NM_001193466.2, NM_001379198.1 and 14 more transcripts); c.196C>G, p.Pro66Ala (NM_001405884.1, NM_001405885.1, NM_001405882.1 and 1 more transcripts); c.1431+12048C>G (NM_001405881.1, NM_001405861.1, NM_001405859.1 and 1 more transcripts); short protein forms P488A, P66A.
Identifiers: ClinVar variation 3531747 (VCV003531747.3).